The following is an entry in ClinVar:

NM_001963.6(EGF):c.3073G>A (p.Ala1025Thr)

Gene: EGF (epidermal growth factor; plus strand). Cytogenetic location: 4q25.
Variant type: single nucleotide variant.
Coding change: c.3073G>A on transcript NM_001963.6 (MANE Select); coding-DNA position 3073, G replaced by A.
Protein change: p.Ala1025Thr; replaces alanine 1025 with threonine.
Molecular consequence: missense variant.
Genome position (GRCh38, 1-based): chr4:109,999,746, G>A. VCF-style: chr4-109999746-G-A. GRCh37 (hg19) VCF-style: chr4-110920902-G-A.
Other names: c.2950G>A, p.Ala984Thr (NM_001178130.3); c.2947G>A, p.Ala983Thr (NM_001178131.3); c.2704G>A, p.Ala902Thr (NM_001357021.2); short protein forms A983T, A902T, A984T, A1025T.
Identifiers: ClinVar variation 3000131 (VCV003000131.3), dbSNP rs149056615, ClinGen allele CA357873860.
Genomic context (GRCh38, chr4:109,999,746, plus strand): 5'-GTTGGCTACATCGGGGAGCGATGTCAGTACCGAGACCTGAAGTGGTGGGAACTGCGCCAC[G>A]CTGGCCACGGGCAGCAGCAGAAGGTCATCGTGGTGGCTGTCTGCGTGGTGGTGCTTGTCA-3'
Protein context (NP_001954.2, residues 1015-1035): RDLKWWELRH[Ala1025Thr]GHGQQQKVIV

ClinVar aggregate classification (germline): Uncertain significance (1 of 4 stars; one submission).

gnomAD v4.1: 15 of 1,613,956 alleles (0.00093%); highest among the groups gnomAD compares: African/African-American, 0.0027%; no homozygotes.

Submission:

Labcorp Genetics (formerly Invitae), Labcorp
Classification: Uncertain significance. Last evaluated: 2023-12-27. Review status: criteria provided, single submitter. Criteria: Invitae Variant Classification Sherloc (09022015). Collection method: clinical testing. Allele origin: germline.
Comment: This sequence change replaces alanine, which is neutral and non-polar, with threonine, which is neutral and polar, at codon 1025 of the EGF protein (p.Ala1025Thr). The frequency data for this variant in the population databases is considered unreliable, as metrics indicate poor data quality at this position in the gnomAD database. This variant has not been reported in the literature in individuals affected with EGF-related conditions. Algorithms developed to predict the effect of missense changes on protein structure and function output the following: SIFT: "Not Available"; PolyPhen-2: "Benign"; Align-GVGD: "Not Available". The threonine amino acid residue is found in multiple mammalian species, which suggests that this missense change does not adversely affect protein function. In summary, the available evidence is currently insufficient to determine the role of this variant in disease. Therefore, it has been classified as a Variant of Uncertain Significance.